The following is an entry in ClinVar:

NM_002206.3(ITGA7):c.1273C>T (p.Pro425Ser)

Gene: ITGA7 (integrin subunit alpha 7; minus strand). Cytogenetic location: 12q13.2.
Variant type: single nucleotide variant.
Coding change: c.1273C>T on transcript NM_002206.3 (MANE Select); coding-DNA position 1273, C replaced by T.
Protein change: p.Pro425Ser; replaces proline 425 with serine.
Molecular consequence: missense variant. On other transcripts: 5 prime UTR variant (1).
Genome position (GRCh38, 1-based): chr12:55,697,946, G>A on the plus strand (C>T on the coding strand, the complement: ITGA7 is on the minus strand). VCF-style: chr12-55697946-G-A. GRCh37 (hg19) VCF-style: chr12-56091730-G-A.
Other names: c.1285C>T, p.Pro429Ser (NM_001144996.2, NM_001414029.1); c.994C>T, p.Pro332Ser (NM_001144997.2); c.946C>T, p.Pro316Ser (NM_001367993.1); c.-20C>T (NM_001367994.1); c.1273C>T, p.Pro425Ser (NM_001374465.1, NM_001414034.1); c.1405C>T, p.Pro469Ser (NM_001410977.1); c.1198C>T, p.Pro400Ser (NM_001414030.1); c.1186C>T, p.Pro396Ser (NM_001414031.1); and 3 more; short protein forms P332S, P425S, P316S, P429S, P469S, P385S, P312S, P400S.
Identifiers: ClinVar variation 430132 (VCV000430132.2), dbSNP rs886727586, ClinGen allele CA237574502.

ClinVar aggregate classification (germline): Uncertain significance (1 of 4 stars; one submission).

Allele frequency attached by ClinVar (database versions not stated): gnomAD exomes below 0.00001; gnomAD 0.00002; TOPMed 0.00002.
gnomAD v4.1: 4 of 1,613,966 alleles (0.00025%); highest among the groups gnomAD compares: African/African-American, 0.0053%; no homozygotes.

Submission:

GeneDx
Classification: Uncertain significance. Last evaluated: 2017-05-22. Review status: criteria provided, single submitter. Criteria: GeneDx Variant Classification (06012015). Collection method: clinical testing. Allele origin: germline. Affected: yes.
Comment: A variant of uncertain significance has been identified in the ITGA7 gene. The P425S variant has not been published as a pathogenic variant, nor has it been reported as a benign variant to our knowledge. The P425S variant is not observed in large population cohorts (Lek et al., 2016; 1000 Genomes Consortium et al., 2015; Exome Variant Server). The P425S variant is a non-conservative amino acid substitution, which is likely to impact secondary protein structure as these residues differ in polarity, charge, size and/or other properties. In silico analysis predicts this variant is probably damaging to the protein structure/function. However, this substitution occurs at a position that is not conserved. Therefore, based on the currently available information, it is unclear whether this variant is a pathogenic variant or a rare benign variant.